The following is an entry in ClinVar:

NM_004174.4(SLC9A3):c.1688G>C (p.Ser563Thr)

Genes: SLC9A3 (solute carrier family 9 member A3), SLC9A3-AS1 (SLC9A3 antisense RNA 1; plus strand). Cytogenetic location: 5p15.33.
Variant type: single nucleotide variant.
Coding change: c.1688G>C on transcript NM_004174.4 (MANE Select); coding-DNA position 1688, G replaced by C.
Protein change: p.Ser563Thr; replaces serine 563 with threonine.
Molecular consequence: missense variant.
Genome position (GRCh38, 1-based): chr5:477,404, C>G on the plus strand (G>C on the coding strand, the complement: SLC9A3 is on the minus strand). VCF-style: chr5-477404-C-G. GRCh37 (hg19) VCF-style: chr5-477519-C-G.
Other names: c.1661G>C, p.Ser554Thr (NM_001284351.3); short protein forms S554T, S563T.
Identifiers: ClinVar variation 1448011 (VCV001448011.6), dbSNP rs772934639, ClinGen allele CA3175767.
Genomic context (GRCh38, chr5:477,404, plus strand): 5'-ACAGAGGCCTCCACGGTGGACGATCGTGGCGTGAAGTCCACGTTGACCACGTTGTCGGTG[C>G]TGGGGGAGCGGATGAAGGCCAGGGACCCGCGGCGCTCTCCCTGTGGTCAGGAAGCAGCCC-3'
Protein context (NP_004165.2, residues 553-573): RGSLAFIRSP[Ser563Thr]TDNVVNVDFT

ClinVar aggregate classification (germline): Uncertain significance (1 of 4 stars; one submission).

Allele frequency attached by ClinVar (database versions not stated): gnomAD exomes below 0.00001; ExAC 0.00002; TOPMed 0.00002; gnomAD 0.00004 and 0.00005.
gnomAD v4.1: 17 of 1,613,100 alleles (0.0011%); highest among the groups gnomAD compares: Admixed American, 0.012%; 1 homozygote.

Submission:

Labcorp Genetics (formerly Invitae), Labcorp
Classification: Uncertain significance. Last evaluated: 2023-12-07. Review status: criteria provided, single submitter. Criteria: Invitae Variant Classification Sherloc (09022015). Collection method: clinical testing. Allele origin: germline.
Comment: This sequence change replaces serine, which is neutral and polar, with threonine, which is neutral and polar, at codon 563 of the SLC9A3 protein (p.Ser563Thr). This variant is present in population databases (rs772934639, gnomAD no frequency). This variant has not been reported in the literature in individuals affected with SLC9A3-related conditions. ClinVar contains an entry for this variant (Variation ID: 1448011). An algorithm developed to predict the effect of missense changes on protein structure and function (PolyPhen-2) suggests that this variant is likely to be disruptive. In summary, the available evidence is currently insufficient to determine the role of this variant in disease. Therefore, it has been classified as a Variant of Uncertain Significance.